The following is an entry in ClinVar:

ClinVar aggregate classification (germline): Uncertain significance (1 of 4 stars; one submission).

Conditions:
Familial adenomatous polyposis 1 (FAP1). Also called: FAMILIAL ADENOMATOUS POLYPOSIS 1, ATTENUATED; POLYPOSIS, ADENOMATOUS INTESTINAL. Identifiers: MedGen C2713442, MONDO:0021056, OMIM 175100. Disease mechanism: loss of function.

Submission:

Labcorp Genetics (formerly Invitae), Labcorp
Classification: Uncertain significance for Familial adenomatous polyposis 1. Last evaluated: 2025-05-23. Review status: criteria provided, single submitter. Criteria: Invitae Variant Classification Sherloc (09022015). Collection method: clinical testing. Allele origin: germline.
Comment: This sequence change replaces cysteine, which is neutral and slightly polar, with phenylalanine, which is neutral and non-polar, at codon 207 of the APC protein (p.Cys207Phe). This variant is not present in population databases (gnomAD no frequency). This variant has not been reported in the literature in individuals affected with APC-related conditions. ClinVar contains an entry for this variant (Variation ID: 2116756). Invitae Evidence Modeling of protein sequence and biophysical properties (such as structural, functional, and spatial information, amino acid conservation, physicochemical variation, residue mobility, and thermodynamic stability) indicates that this missense variant is not expected to disrupt APC protein function with a negative predictive value of 95%. In summary, the available evidence is currently insufficient to determine the role of this variant in disease. Therefore, it has been classified as a Variant of Uncertain Significance.

NM_000038.6(APC):c.620G>T (p.Cys207Phe)

Gene: APC (APC regulator of Wnt signaling pathway; plus strand). Cytogenetic location: 5q22.2.
Variant type: single nucleotide variant.
Coding change: c.620G>T on transcript NM_000038.6 (MANE Select); coding-DNA position 620, G replaced by T.
Protein change: p.Cys207Phe; replaces cysteine 207 with phenylalanine.
Molecular consequence: missense variant. On other transcripts: 5 prime UTR variant (1).
Genome position (GRCh38, 1-based): chr5:112,780,878, G>T. VCF-style: chr5-112780878-G-T. GRCh37 (hg19) VCF-style: chr5-112116575-G-T.
Other names: c.620G>T, p.Cys207Phe (NM_001127510.3, NM_001354895.2, NM_001354896.2 and 16 more transcripts); c.650G>T, p.Cys217Phe (NM_001127511.3, NM_001354897.2, NM_001354902.2 and 1 more transcripts); c.545G>T, p.Cys182Phe (NM_001354898.2, NM_001354904.2, NM_001407451.1); c.443G>T, p.Cys148Phe (NM_001354900.2, NM_001354901.2, NM_001354905.2 and 1 more transcripts); c.-416G>T (NM_001354906.2, NM_001407470.1, NM_001407471.1 and 1 more transcripts); short protein forms C182F, C207F, C217F, C148F.
Identifiers: ClinVar variation 2116756 (VCV002116756.4), dbSNP rs1268298845, ClinGen allele CA16022695.